The following is an entry in ClinVar:

ClinVar aggregate classification (germline): Uncertain significance. Review status: criteria provided, multiple submitters, no conflicts (2 of 4 stars). 3 submissions from 3 submitters: Uncertain significance (3). Last evaluated 2024-12-11.

Conditions:
Inborn genetic diseases. Identifiers: MedGen C0950123, MeSH D030342.

Allele frequency attached by ClinVar (database versions not stated): gnomAD exomes below 0.00001; ExAC 0.00001; TOPMed 0.00002; gnomAD 0.00001; ESP Exome Variant Server 0.00008.
gnomAD v4.1: 3 of 1,613,992 alleles (0.00019%); highest among the groups gnomAD compares: African/African-American, 0.004%; no homozygotes.

Submissions (3):

Ambry Genetics
Classification: Uncertain significance for Inborn genetic diseases. Last evaluated: 2024-12-11. Review status: criteria provided, single submitter. Criteria: Ambry Variant Classification Scheme 2023. Collection method: clinical testing. Allele origin: germline.

GeneDx
Classification: Uncertain significance. Last evaluated: 2023-11-20. Review status: criteria provided, single submitter. Criteria: GeneDx Variant Classification Process June 2021. Collection method: clinical testing. Allele origin: germline. Affected: yes.
Comment: In silico analysis supports that this missense variant does not alter protein structure/function; Has not been previously published as pathogenic or benign to our knowledge

Labcorp Genetics (formerly Invitae), Labcorp
Classification: Uncertain significance. Last evaluated: 2022-07-26. Review status: criteria provided, single submitter. Criteria: Invitae Variant Classification Sherloc (09022015). Collection method: clinical testing. Allele origin: germline.
Comment: This sequence change replaces leucine, which is neutral and non-polar, with phenylalanine, which is neutral and non-polar, at codon 519 of the SLC25A12 protein (p.Leu519Phe). This variant is present in population databases (rs372205183, gnomAD 0.007%). This variant has not been reported in the literature in individuals affected with SLC25A12-related conditions. ClinVar contains an entry for this variant (Variation ID: 1060611). Algorithms developed to predict the effect of missense changes on protein structure and function output the following: SIFT: "Tolerated"; PolyPhen-2: "Benign"; Align-GVGD: "Class C0". The phenylalanine amino acid residue is found in multiple mammalian species, which suggests that this missense change does not adversely affect protein function. In summary, the available evidence is currently insufficient to determine the role of this variant in disease. Therefore, it has been classified as a Variant of Uncertain Significance.

NM_003705.5(SLC25A12):c.1557A>T (p.Leu519Phe)

Gene: SLC25A12 (solute carrier family 25 member 12; minus strand). Cytogenetic location: 2q31.1.
Variant type: single nucleotide variant.
Coding change: c.1557A>T on transcript NM_003705.5 (MANE Select); coding-DNA position 1557, A replaced by T.
Protein change: p.Leu519Phe; replaces leucine 519 with phenylalanine.
Molecular consequence: missense variant. On other transcripts: non-coding transcript variant (1).
Genome position (GRCh38, 1-based): chr2:171,791,479, T>A on the plus strand (A>T on the coding strand, the complement: SLC25A12 is on the minus strand). VCF-style: chr2-171791479-T-A. GRCh37 (hg19) VCF-style: chr2-172647989-T-A.
Other names: c.1557A>T (NM_003705.4, NM_003705.3); short protein forms L519F.
Identifiers: ClinVar variation 1060611 (VCV001060611.8), dbSNP rs372205183, ClinGen allele CA1966084.